The following is an entry in ClinVar:

NM_001267550.2(TTN):c.106445C>G (p.Thr35482Ser)

Genes: TTN (titin; minus strand), TTN-AS1 (TTN antisense RNA 1; plus strand). Cytogenetic location: 2q31.2.
Variant type: single nucleotide variant.
Coding change: c.106445C>G on transcript NM_001267550.2 (MANE Select); coding-DNA position 106445, C replaced by G.
Protein change: p.Thr35482Ser; replaces threonine 35482 with serine.
Molecular consequence: missense variant.
Genome position (GRCh38, 1-based): chr2:178,530,046, G>C on the plus strand (C>G on the coding strand, the complement: TTN is on the minus strand). VCF-style: chr2-178530046-G-C. GRCh37 (hg19) VCF-style: chr2-179394773-G-C.
Other names: c.98741C>G, p.Thr32914Ser (NM_133378.4); c.101522C>G, p.Thr33841Ser (NM_001256850.1); c.79250C>G, p.Thr26417Ser (NM_003319.4); c.79625C>G, p.Thr26542Ser (NM_133432.3); c.79826C>G, p.Thr26609Ser (NM_133437.4); short protein forms T35482S, T32914S, T26417S, T26542S, T33841S, T26609S.
Identifiers: ClinVar variation 47705 (VCV000047705.5), dbSNP rs397517799, ClinGen allele CA141748.

ClinVar aggregate classification (germline): Uncertain significance (1 of 4 stars; one submission).

Submission:

Laboratory for Molecular Medicine, Mass General Brigham Personalized Medicine
Classification: Uncertain significance. Last evaluated: 2012-04-13. Review status: criteria provided, single submitter. Criteria: LMM Criteria. Collection method: clinical testing. Allele origin: germline. Observed: 1 variant allele.
Comment: The Thr32914Ser variant (TTN) has not been reported in the literature nor previo usly identified by our laboratory. Computational analyses (biochemical amino ac id properties, conservation, AlignGVGD, PolyPhen2, and SIFT) do not provide stro ng support for or against an impact to the protein. Additional information is ne eded to fully assess the clinical significance of this variant.